The following is an entry in ClinVar:

ClinVar aggregate classification (germline): Likely benign (1 of 4 stars; one submission).

gnomAD v4.1: 9 of 1,599,284 alleles (0.00056%); highest among the groups gnomAD compares: South Asian, 0.0011%; no homozygotes.

Submission:

Mayo Clinic Laboratories, Mayo Clinic
Classification: Likely benign. Last evaluated: 2025-06-22. Review status: criteria provided, single submitter. Criteria: ACMG Guidelines, 2015. Collection method: clinical testing. Allele origin: germline. Observed: 1 variant allele.
Comment: BP4, BP7, PM2_supporting

NM_005560.6(LAMA5):c.6946C>T (p.Leu2316=)

Gene: LAMA5 (laminin subunit alpha 5; minus strand). Cytogenetic location: 20q13.33.
Variant type: single nucleotide variant.
Coding change: c.6946C>T on transcript NM_005560.6 (MANE Select); coding-DNA position 6946, C replaced by T.
Protein change: p.Leu2316=; no amino-acid change (leucine 2316 retained).
Molecular consequence: synonymous variant.
Genome position (GRCh38, 1-based): chr20:62,318,939, G>A on the plus strand (C>T on the coding strand, the complement: LAMA5 is on the minus strand). VCF-style: chr20-62318939-G-A. GRCh37 (hg19) VCF-style: chr20-60893995-G-A.
Other names: p.Leu2316=.
Identifiers: ClinVar variation 4684427 (VCV004684427.1).